The following is an entry in ClinVar:

NM_000512.5(GALNS):c.502_503delinsTT (p.Gly168Leu)

Gene: GALNS (galactosamine (N-acetyl)-6-sulfatase; minus strand). Cytogenetic location: 16q24.3.
Variant type: Indel.
Coding change: c.502_503delinsTT on transcript NM_000512.5 (MANE Select); coding-DNA positions 502 to 503, GG replaced by TT.
Protein change: p.Gly168Leu; replaces glycine 168 with leucine.
Molecular consequence: missense variant. On other transcripts: 5 prime UTR variant (1).
Genome position (GRCh38, 1-based): chr16:88,837,685-88,837,686, CC replaced by AA on the plus strand (GG replaced by TT on the coding strand, the reverse complement: GALNS is on the minus strand). VCF-style: chr16-88837685-CC-AA. GRCh37 (hg19) VCF-style: chr16-88904093-CC-AA.
Other names: c.-54_-53delinsTT (NM_001323543.2); c.520_521delinsTT, p.Gly174Leu (NM_001323544.2); short protein forms G168L, G174L.
Identifiers: ClinVar variation 1048279 (VCV001048279.4), dbSNP rs2143002376, ClinGen allele CA915940957.

ClinVar aggregate classification (germline): Conflicting classifications of pathogenicity. Review status: criteria provided, conflicting classifications (1 of 4 stars). 2 submissions from 2 submitters: Pathogenic (1); Uncertain significance (1). Last evaluated 2025-11-23.

Conditions:
Mucopolysaccharidosis, MPS-IV-A (MPS4A). Also called: Mucopolysaccharidosis type IV A; Mucopolysaccharidosis Type IVA; Morquio syndrome A, mild; MORQUIO SYNDROME A; MPS IVA; mucopolysaccharidosis type 4A. Identifiers: Orphanet 309297, Orphanet 582, MedGen C0086651, MONDO:0009659, OMIM 253000.

Submissions (2):

Labcorp Genetics (formerly Invitae), Labcorp
Classification: Pathogenic for Mucopolysaccharidosis, MPS-IV-A. Last evaluated: 2025-11-23. Review status: criteria provided, single submitter. Criteria: Invitae Variant Classification Sherloc (09022015). Collection method: clinical testing. Allele origin: germline.
Comment: This sequence change replaces glycine, which is neutral and non-polar, with leucine, which is neutral and non-polar, at codon 168 of the GALNS protein (p.Gly168Leu). Information on the frequency of this variant in the gnomAD database is not available, as this variant may be reported differently in the database. This missense change has been observed in individual(s) with Mucopolysaccharidosis type IVA (PMID: 20574428, 24120057, 30235707, 35212421). In at least one individual the data is consistent with being in trans (on the opposite chromosome) from a pathogenic variant. ClinVar contains an entry for this variant (Variation ID: 1048279). An algorithm developed to predict the effect of missense changes on protein structure and function (PolyPhen-2) suggests that this variant is likely to be disruptive. This variant disrupts the p.Gly168Arg amino acid residue in GALNS. Other variant(s) that disrupt this residue have been determined to be pathogenic (PMID: 9298823, 29275451, 30927141). This suggests that this residue is clinically significant, and that variants that disrupt this residue are likely to be disease-causing. For these reasons, this variant has been classified as Pathogenic.

Laboratory of Diagnosis and Therapy of Lysosomal Disorders, University of Padova
Classification: Uncertain significance for Mucopolysaccharidosis, MPS-IV-A. Last evaluated: 2021-02-01. Review status: criteria provided, single submitter. Criteria: ACMG Guidelines, 2015. Collection method: curation. Allele origin: germline. Affected: yes.
Comment: Absent from gnomAD v2.1.1 (PM2_moderate)

Literature cited by the submitters: PubMed 20574428 (cited by Labcorp Genetics (formerly Invitae), Labcorp and Laboratory of Diagnosis and Therapy of Lysosomal Disorders, University of Padova); PubMed 24120057 (cited by Labcorp Genetics (formerly Invitae), Labcorp and Laboratory of Diagnosis and Therapy of Lysosomal Disorders, University of Padova); PubMed 30235707 (cited by Labcorp Genetics (formerly Invitae), Labcorp and Laboratory of Diagnosis and Therapy of Lysosomal Disorders, University of Padova); PubMed 35212421 (cited by Labcorp Genetics (formerly Invitae), Labcorp); PubMed 9298823 (cited by Labcorp Genetics (formerly Invitae), Labcorp); PubMed 29275451 (cited by Labcorp Genetics (formerly Invitae), Labcorp); PubMed 30927141 (cited by Labcorp Genetics (formerly Invitae), Labcorp); PubMed 34387910 (cited by Laboratory of Diagnosis and Therapy of Lysosomal Disorders, University of Padova).